The following is an entry in ClinVar:

NM_001267550.2(TTN):c.96108G>A (p.Val32036=)

Genes: TTN (titin; minus strand), TTN-AS1 (TTN antisense RNA 1; plus strand), LOC126806421 (CDK7 strongly-dependent group 2 enhancer GRCh37_chr2:179407630-179408829; plus strand). Cytogenetic location: 2q31.2.
Variant type: single nucleotide variant.
Coding change: c.96108G>A on transcript NM_001267550.2 (MANE Select); coding-DNA position 96108, G replaced by A.
Protein change: p.Val32036=; no amino-acid change (valine 32036 retained).
Molecular consequence: synonymous variant.
Genome position (GRCh38, 1-based): chr2:178,544,036, C>T on the plus strand (G>A on the coding strand, the complement: TTN is on the minus strand). VCF-style: chr2-178544036-C-T. GRCh37 (hg19) VCF-style: chr2-179408763-C-T.
Other names: p.V30395V:GTG>GTA; c.91185G>A, p.Val30395= (NM_001256850.1); c.68913G>A, p.Val22971= (NM_003319.4); c.88404G>A, p.Val29468= (NM_133378.4); c.69288G>A, p.Val23096= (NM_133432.3); c.69489G>A, p.Val23163= (NM_133437.4).
Identifiers: ClinVar variation 47563 (VCV000047563.68), dbSNP rs372773283, ClinGen allele CA232506.

ClinVar aggregate classification (germline): Benign/Likely benign. Review status: criteria provided, multiple submitters, no conflicts (2 of 4 stars). 20 submissions from 17 submitters: Benign (14); Likely benign (3). 3 of the submissions do not count toward it. Last evaluated 2026-08-01.

Conditions:
Cardiovascular phenotype. Identifiers: MedGen CN230736.
Dilated cardiomyopathy 1G (CMD1G). Identifiers: Orphanet 154, MedGen C1858763, MONDO:0011400, OMIM 604145.
Autosomal recessive limb-girdle muscular dystrophy type 2J (LGMDR10). Also called: MUSCULAR DYSTROPHY, LIMB-GIRDLE, AUTOSOMAL RECESSIVE 10; Limb-girdle muscular dystrophy, type 2J. Identifiers: Orphanet 140922, MedGen C1837342, MONDO:0012127, OMIM 608807.
Cardiomyopathy (CMYO). Also called: Cardiomyopathies. Identifiers: Orphanet 167848, MedGen C0878544, MONDO:0004994, HP:0001638. Inheritance: Various modes of inheritance.
Early-onset myopathy with fatal cardiomyopathy (CMYO5). Also called: CONGENITAL MYOPATHY 5 WITH CARDIOMYOPATHY; Salih Myopathy. Identifiers: Orphanet 289377, MedGen C2673677, MONDO:0012714, OMIM 611705. Disease mechanism: loss of function.
Myopathy, myofibrillar, 9, with early respiratory failure (MFM9). Also called: Myopathy, distal, with early respiratory failure, autosomal dominant; Hereditary myopathy with early respiratory failure; MYOPATHY, PROXIMAL, WITH EARLY RESPIRATORY MUSCLE INVOLVEMENT; EDSTROM MYOPATHY. Identifiers: Orphanet 178464, Orphanet 34521, MedGen C1863599, MONDO:0011362, OMIM 603689.
Tibial muscular dystrophy (TMD). Also called: Udd Distal Myopathy – Tibial Muscular Dystrophy; Tibial muscular dystrophy, tardive; UDD MYOPATHY. Identifiers: Orphanet 609, MedGen C1838244, MONDO:0010870, OMIM 600334.

Allele frequency attached by ClinVar (database versions not stated): gnomAD exomes 0.00053; ESP Exome Variant Server 0.00212; gnomAD 0.00213 and 0.00234; TOPMed 0.00246; 1000 Genomes Project 30x 0.00344; ExAC 0.00069; 1000 Genomes Project 0.00260.
gnomAD v4.1: 676 of 1,613,616 alleles (0.042%); highest among the groups gnomAD compares: African/African-American, 0.83%; 1 homozygote.

Submissions (20):

CeGaT Center for Human Genetics Tuebingen
Classification: Likely benign. Last evaluated: 2026-08-01. Review status: criteria provided, single submitter. Criteria: CeGaT Center For Human Genetics Tuebingen Variant Classification Criteria Version 2. Collection method: clinical testing. Allele origin: germline. Affected: yes. Observed: 3 variant alleles.
Comment: TTN: BP4, BP7

Labcorp Genetics (formerly Invitae), Labcorp
Classification: Benign for Dilated cardiomyopathy 1G; Autosomal recessive limb-girdle muscular dystrophy type 2J. Last evaluated: 2026-02-01. Review status: criteria provided, single submitter. Criteria: Invitae Variant Classification Sherloc (09022015). Collection method: clinical testing. Allele origin: germline.

ARUP Laboratories, Molecular Genetics and Genomics, ARUP Laboratories
Classification: Benign. Last evaluated: 2025-05-20. Review status: criteria provided, single submitter. Criteria: ARUP Molecular Germline Variant Investigation Process 2024. Collection method: clinical testing. Allele origin: germline.

Molecular Diagnostic Laboratory for Inherited Cardiovascular Disease, Montreal Heart Institute
Classification: Benign. Last evaluated: 2025-04-09. Review status: criteria provided, single submitter. Criteria: ACMG Guidelines, 2015. Collection method: clinical testing. Allele origin: germline. Affected: no.

Blueprint Genetics
Classification: Likely benign. Last evaluated: 2024-11-06. Review status: criteria provided, single submitter. Criteria: ACMG Guidelines, 2015. Collection method: clinical testing. Allele origin: germline.

CHEO Genetics Diagnostic Laboratory, Children's Hospital of Eastern Ontario
Classification: Benign for Cardiomyopathy. Last evaluated: 2022-12-12. Review status: criteria provided, single submitter. Criteria: ACMG Guidelines, 2015. Collection method: clinical testing. Allele origin: germline.

Women's Health and Genetics/Laboratory Corporation of America, LabCorp
Classification: Benign. Last evaluated: 2022-05-07. Review status: criteria provided, single submitter. Criteria: LabCorp Variant Classification Summary - May 2015. Collection method: clinical testing. Allele origin: germline.

Genome-Nilou Lab
Classification: Benign for Autosomal recessive limb-girdle muscular dystrophy type 2J. Last evaluated: 2021-09-10. Review status: criteria provided, single submitter. Criteria: ACMG Guidelines, 2015. Collection method: clinical testing. Allele origin: germline. Affected: no.

Genome-Nilou Lab
Classification: Benign for Myopathy, myofibrillar, 9, with early respiratory failure. Last evaluated: 2021-09-10. Review status: criteria provided, single submitter. Criteria: ACMG Guidelines, 2015. Collection method: clinical testing. Allele origin: germline. Affected: no.

Genome-Nilou Lab
Classification: Benign for Early-onset myopathy with fatal cardiomyopathy. Last evaluated: 2021-09-10. Review status: criteria provided, single submitter. Criteria: ACMG Guidelines, 2015. Collection method: clinical testing. Allele origin: germline. Affected: no.

Genome-Nilou Lab
Classification: Benign for Tibial muscular dystrophy. Last evaluated: 2021-09-10. Review status: criteria provided, single submitter. Criteria: ACMG Guidelines, 2015. Collection method: clinical testing. Allele origin: germline. Affected: no.

Athena Diagnostics
Classification: Benign. Last evaluated: 2018-12-27. Review status: criteria provided, single submitter. Criteria: Athena Diagnostics Criteria. Collection method: clinical testing. Allele origin: germline.

Eurofins Ntd Llc (ga)
Classification: Benign. Last evaluated: 2016-08-01. Review status: criteria provided, single submitter. Criteria: EGL Classification Definitions 2015. Collection method: clinical testing. Allele origin: germline. Observed: 5 variant alleles, 5 heterozygotes.

Ambry Genetics
Classification: Benign for Cardiovascular phenotype. Last evaluated: 2016-01-21. Review status: criteria provided, single submitter. Criteria: Ambry Variant Classification Scheme 2023. Collection method: clinical testing. Allele origin: germline.

GeneDx
Classification: Benign. Last evaluated: 2014-05-15. Review status: criteria provided, single submitter. Criteria: GeneDx Variant Classification (06012015). Collection method: clinical testing. Allele origin: germline. Affected: yes.
Comment: This variant is considered likely benign or benign based on one or more of the following criteria: it is a conservative change, it occurs at a poorly conserved position in the protein, it is predicted to be benign by multiple in silico algorithms, and/or has population frequency not consistent with disease.

Laboratory for Molecular Medicine, Mass General Brigham Personalized Medicine
Classification: Benign. Last evaluated: 2012-04-10. Review status: criteria provided, single submitter. Criteria: LMM Criteria. Collection method: clinical testing. Allele origin: germline. Observed: 3 variant alleles.
Comment: Val29468Val in Exon 295 of TTN: This variant is not expected to have clinical si gnificance because it does not alter an amino acid residue, is not located withi n the splice consensus sequence and has been identified in 0.7% (22/3250) of Afr ican American chromosomes from a broad population by the NHLBI Exome Sequencing Project.

Breakthrough Genomics
Classification: Likely benign. Review status: criteria provided, single submitter. Criteria: ACMG Guidelines, 2015. Collection method: not provided. Allele origin: germline. Inheritance: Autosomal recessive inheritance. Affected: yes.

Clinical Genetics DNA and cytogenetics Diagnostics Lab, Erasmus MC, Erasmus Medical Center
Classification: Likely benign. Review status: no assertion criteria provided. Collection method: clinical testing. Allele origin: germline. Affected: yes. Study: VKGL Data-share Consensus. Not counted in ClinVar's aggregate classification.

Clinical Genetics, Academic Medical Center
Classification: Benign. Review status: no assertion criteria provided. Collection method: clinical testing. Allele origin: germline. Affected: yes. Study: VKGL Data-share Consensus. Not counted in ClinVar's aggregate classification.

Diagnostic Laboratory, Department of Genetics, University Medical Center Groningen
Classification: Likely benign. Review status: no assertion criteria provided. Collection method: clinical testing. Allele origin: germline. Affected: yes. Study: VKGL Data-share Consensus. Not counted in ClinVar's aggregate classification.